The following is an entry in ClinVar:

ClinVar aggregate classification (germline): Pathogenic. Review status: criteria provided, multiple submitters, no conflicts (2 of 4 stars). 14 submissions from 14 submitters: Pathogenic (13). 1 of the submissions does not count toward it. Last evaluated 2026-03-24.

Conditions:
Inborn genetic diseases. Identifiers: MedGen C0950123, MeSH D030342.
Autosomal recessive nonsyndromic hearing loss 18A. Also called: DEAFNESS, AUTOSOMAL RECESSIVE 18; Deafness, autosomal recessive 18A. Identifiers: Orphanet 90636, MedGen C1865870, MONDO:0011192, OMIM 602092.
Usher syndrome type 1C. Also called: USHER SYNDROME, TYPE I, ACADIAN VARIETY. Identifiers: Orphanet 231169, Orphanet 886, MedGen C1848604, MONDO:0010171, OMIM 276904.
USH1C-related disorder. Also called: USH1C-related condition.

Allele frequency attached by ClinVar (database versions not stated): ESP Exome Variant Server 0.00008.
gnomAD v4.1: 106 of 1,499,138 alleles (0.0071%); highest among the groups gnomAD compares: Non-Finnish European, 0.0092%; no homozygotes.

Submissions (14):

PreventionGenetics, part of Exact Sciences
Classification: Pathogenic for USH1C-related condition. Last evaluated: 2026-03-24. Review status: criteria provided, single submitter. Criteria: ACMG Guidelines, 2015. Collection method: clinical testing. Allele origin: germline.
Comment: The USH1C c.496+1G>A variant is predicted to disrupt the GT donor site and interfere with normal splicing. This variant has been well-documented as pathogenic for Usher syndrome type I and non-syndromic hearing loss (see, for example: described as IVS5+1G>A, Zwaenepoel et al. 2001, PubMed ID: 11139240; Le Quesne et al. 2011, PubMed ID: 22135276; Ganapathy et al. 2014, PubMed ID: 24416283). In ClinVar, this variant is classified as pathogenic (ClinVar ID: 371732). This variant is present in 0.0035% of alleles in individuals of European (non-Finnish) descent in gnomAD. Variants that disrupt the consensus splice donor site in USH1C are expected to be pathogenic. Based on this evidence, this variant is interpreted as pathogenic.

Natera, Inc.
Classification: Pathogenic for Usher syndrome type 1C. Last evaluated: 2025-09-14. Review status: criteria provided, single submitter. Criteria: Natera Variant Classification Schema (03/2026). Collection method: clinical testing. Allele origin: germline.
Comment: The c.496+1G>A variant in USH1C is a canonical splice donor site variant predicted to affect pre-mRNA splicing, which may result in an abnormal transcript and altered protein product. This variant is expected to result in nonsense mediated decay, truncation, or a dysfunctional protein product. This variant is rare in the general population with a frequency below the threshold expected for the associated phenotype(s). This variant has been observed in one or more individuals affected with the associated recessive disease, as either homozygous or compound heterozygous with a second variant (PMID: 22135276). Given the available evidence, this variant is classified as Pathogenic.

Labcorp Genetics (formerly Invitae), Labcorp
Classification: Pathogenic. Last evaluated: 2024-10-26. Review status: criteria provided, single submitter. Criteria: Invitae Variant Classification Sherloc (09022015). Collection method: clinical testing. Allele origin: germline.
Comment: This sequence change affects a donor splice site in intron 5 of the USH1C gene. It is expected to disrupt RNA splicing. Variants that disrupt the donor or acceptor splice site typically lead to a loss of protein function (PMID: 16199547), and loss-of-function variants in USH1C are known to be pathogenic (PMID: 10973247, 17407589, 20301442, 21203349). This variant is present in population databases (rs138138689, gnomAD 0.006%). Disruption of this splice site has been observed in individuals with Usher syndrome type I and non-syndromic hearing loss (PMID: 11139240, 22135276, 24416283, 27743452). ClinVar contains an entry for this variant (Variation ID: 371732). Algorithms developed to predict the effect of sequence changes on RNA splicing suggest that this variant may disrupt the consensus splice site. For these reasons, this variant has been classified as Pathogenic.

Victorian Clinical Genetics Services, Murdoch Childrens Research Institute
Classification: Pathogenic for Usher syndrome type 1C. Last evaluated: 2024-10-09. Review status: criteria provided, single submitter. Criteria: ACMG Guidelines, 2015. Collection method: clinical testing. Allele origin: germline. Inheritance: Autosomal recessive inheritance. Affected: no.
Comment: Based on the classification scheme VCGS_Germline_v1.3.4, this variant is classified as Pathogenic. Following criteria are met: 0102 - Loss of function is a known mechanism of disease in this gene and is associated with autosomal recessive deafness 18A (MIM#602092) and Usher syndrome, type 1C (MIM#276904). Dominant negative is a suggested mechanism for rare autosomal dominant non-syndromic hearing loss (NSHL) (PMID: 31858762). (I) 0106 - This gene is associated with autosomal recessive disease. A single, large family with a heterozygous missense variant has been reported with autosomal dominant NSHL (PMID: 31858762). (I) 0211 - Canonical splice site variant without proven consequence on splicing (no functional evidence available). (SP) 0251 - This variant is heterozygous. (I) 0304 - Variant is present in gnomAD (v3) <0.01 for a recessive condition (6 heterozygotes, 0 homozygotes). (SP) 0311 - Multiple alternative nucleotide changes at the same canonical splice site are present in gnomAD (v3) (highest allele count: 23 heterozygotes, 0 homozygotes). (SB) 0505 - Abnormal splicing is predicted by in silico tools and affected nucleotide is highly conserved. (SP) 0801 - This variant has strong previous evidence of pathogenicity in unrelated individuals. This variant has been classified as pathogenic by multiple clinical laboratories in ClinVar and has been observed as compound heterozygous and homozygous in individuals with Usher syndrome and non-syndromic hearing loss (PMIDs: 24416283, 22135276, 11139240). (SP) Legend: (SP) - Supporting pathogenic, (I) - Information, (SB) - Supporting benign

Blueprint Genetics
Classification: Pathogenic for USH1C-related disorders. Last evaluated: 2024-05-10. Review status: criteria provided, single submitter. Criteria: ACMG Guidelines, 2015. Collection method: clinical testing. Allele origin: germline. Affected: yes. Observed: 5 variant alleles.

Fulgent Genetics
Classification: Pathogenic for Usher syndrome type 1C; Autosomal recessive nonsyndromic hearing loss 18A. Last evaluated: 2024-04-11. Review status: criteria provided, single submitter. Criteria: ACMG Guidelines, 2015. Collection method: clinical testing. Allele origin: germline.

Genomic Medicine Center of Excellence, King Faisal Specialist Hospital and Research Centre
Classification: Pathogenic for Usher syndrome type 1C. Last evaluated: 2024-04-04. Review status: criteria provided, single submitter. Criteria: ACMG Guidelines, 2015. Collection method: clinical testing. Allele origin: germline.

Baylor Genetics
Classification: Pathogenic for Autosomal recessive nonsyndromic hearing loss 18A. Last evaluated: 2024-03-23. Review status: criteria provided, single submitter. Criteria: ACMG Guidelines, 2015. Collection method: clinical testing. Allele origin: unknown.

Wonkam Laboratory, Johns Hopkins University
Classification: Pathogenic for Autosomal recessive nonsyndromic hearing loss 18A. Last evaluated: 2024-01-06. Review status: criteria provided, single submitter. Criteria: ACMG Guidelines, 2015. Collection method: research. Allele origin: germline. Inheritance: Autosomal recessive inheritance. Affected: yes. Observed: 4 variant alleles. Clinical features observed: Profound nonsyndromic hearing loss.
Comment: This variant USH1C c.496+1G>A (NM_153676.3) is a null variant , canonical +- 2 splice sites, initiation codon, single or multiexon deletion) in a gene where LOF is a known mechanism of disease (PVS1), the variant is Absent from controls (or at extremely low frequency if recessive) in Exome Sequencing Project, 1000 Genomes Project, or Exome Aggregation Consortium (PM2), Multiple lines of computational evidence support a deleterious effect on the gene or gene product (conservation, evolutionary, splicing impact, etc.) (PP3)

Institute of Human Genetics, Cologne University
Classification: Pathogenic for Usher syndrome type 1C. Last evaluated: 2023-09-13. Review status: criteria provided, single submitter. Criteria: ACMG Guidelines, 2015. Collection method: clinical testing. Allele origin: germline. Inheritance: Autosomal recessive inheritance. Affected: yes.

GeneDx
Classification: Pathogenic. Last evaluated: 2023-02-27. Review status: criteria provided, single submitter. Criteria: GeneDx Variant Classification Process June 2021. Collection method: clinical testing. Allele origin: germline. Affected: yes.
Comment: Canonical splice site variant in a gene for which loss-of-function is a known mechanism of disease; Not observed at significant frequency in large population cohorts (gnomAD); This variant is associated with the following publications: (PMID: 23647439, 11139240, 27743452, 22135276, 26186295, 24416283, 12786748, 31589614)

Myriad Genetics, Inc.
Classification: Pathogenic for Usher syndrome type 1C. Last evaluated: 2021-11-11. Review status: criteria provided, single submitter. Criteria: Myriad Women's Health Autosomal Recessive and X-Linked Classification Criteria (2021). Collection method: clinical testing. Allele origin: unknown.
Comment: NM_005709.3(USH1C):c.496+1G>A is a canonical splice variant classified as pathogenic in the context of USH1C-related disorders. c.496+1G>A has been observed in cases with relevant disease (PMID: 24416283, 27743452, 11139240). Functional assessments of this variant are not available in the literature. c.496+1G>A has been observed in population frequency databases (gnomAD NFE 0.004%). In summary, NM_005709.3(USH1C):c.496+1G>A is a canonical splice variant in a gene where loss of function is a known mechanism of disease, is predicted to disrupt protein function, and has been observed more frequently in cases with the relevant disease than in healthy populations. Please note: this variant was assessed in the context of healthy population screening.

Ambry Genetics
Classification: Pathogenic for Inborn genetic diseases. Last evaluated: 2018-05-08. Review status: criteria provided, single submitter. Criteria: Ambry exome assertion method (8-5-2015). Collection method: clinical testing. Allele origin: germline. Affected: yes. Observed: 1 variant allele.

OMIM
Classification: Pathogenic for USHER SYNDROME, TYPE IC. Last evaluated: 2012-01-01. Review status: no assertion criteria provided. Collection method: literature only. Allele origin: germline. Not counted in ClinVar's aggregate classification.

Literature cited by the submitters: PubMed 22135276 (cited by 4 submitters); PubMed 16199547 (cited by Labcorp Genetics (formerly Invitae), Labcorp); PubMed 10973247 (cited by Labcorp Genetics (formerly Invitae), Labcorp); PubMed 17407589 (cited by Labcorp Genetics (formerly Invitae), Labcorp and Ambry Genetics); PubMed 20301442 (cited by Labcorp Genetics (formerly Invitae), Labcorp); PubMed 21203349 (cited by Labcorp Genetics (formerly Invitae), Labcorp); PubMed 11139240 (cited by 5 submitters); PubMed 24416283 (cited by 4 submitters); PubMed 27743452 (cited by 3 submitters); PubMed 31858762 (cited by Victorian Clinical Genetics Services, Murdoch Childrens Research Institute); PubMed 24498627 (cited by Ambry Genetics); PubMed 25525159 (cited by Ambry Genetics).

NM_153676.4(USH1C):c.496+1G>A

Gene: USH1C (USH1 protein network component harmonin; minus strand). Cytogenetic location: 11p15.1.
Variant type: single nucleotide variant.
Coding change: c.496+1G>A on transcript NM_153676.4 (MANE Select); the canonical splice donor site of the intron after coding-DNA position 496, G replaced by A.
Molecular consequence: splice donor variant.
Genome position (GRCh38, 1-based): chr11:17,527,222, C>T on the plus strand (G>A on the coding strand, the complement: USH1C is on the minus strand). VCF-style: chr11-17527222-C-T. GRCh37 (hg19) VCF-style: chr11-17548769-C-T.
Other names: IVS5DS, G-A, +1; c.496+1G>A (NM_001297764.2, NM_005709.4).
Identifiers: ClinVar variation 371732 (VCV000371732.33), dbSNP rs138138689, ClinGen allele CA5905031.